The following is an entry in ClinVar:

NM_001298.3(CNGA3):c.1229G>A (p.Arg410Gln)

Gene: CNGA3 (cyclic nucleotide gated channel subunit alpha 3; plus strand). Cytogenetic location: 2q11.2.
Variant type: single nucleotide variant.
Coding change: c.1229G>A on transcript NM_001298.3 (MANE Select); coding-DNA position 1229, G replaced by A.
Protein change: p.Arg410Gln; replaces arginine 410 with glutamine.
Molecular consequence: missense variant.
Genome position (GRCh38, 1-based): chr2:98,396,399, G>A. VCF-style: chr2-98396399-G-A. GRCh37 (hg19) VCF-style: chr2-99012862-G-A.
Other names: c.1175G>A, p.Arg392Gln (NM_001079878.2); short protein forms R392Q, R410Q.
Identifiers: ClinVar variation 963854 (VCV000963854.8), dbSNP rs373666055, ClinGen allele CA1793968.

ClinVar aggregate classification (germline): Uncertain significance. Review status: criteria provided, multiple submitters, no conflicts (2 of 4 stars). 3 submissions from 3 submitters: Uncertain significance (3). Last evaluated 2025-12-24.

Conditions:
CNGA3-related disorder. Also called: CNGA3-related condition.

Allele frequency attached by ClinVar (database versions not stated): gnomAD 0.00001; TOPMed 0.00002; ESP Exome Variant Server 0.00008.
gnomAD v4.1: 11 of 1,613,746 alleles (0.00068%); highest among the groups gnomAD compares: African/African-American, 0.004%; no homozygotes.

Submissions (3):

PreventionGenetics, part of Exact Sciences
Classification: Uncertain significance for CNGA3-related condition. Last evaluated: 2025-12-24. Review status: criteria provided, single submitter. Criteria: ACMG Guidelines, 2015. Collection method: clinical testing. Allele origin: germline.
Comment: The CNGA3 c.1229G>A variant is predicted to result in the amino acid substitution p.Arg410Gln. To our knowledge, this variant has not been reported in the literature. This variant is reported in 0.0062% of alleles in individuals of African descent in gnomAD. An alternate missense variant affecting the same amino acid position, c.1228C>T, p.(Arg410Trp), has been reported to affect protein function (Muraki-Oda et al. 2007. PubMed ID: 17693388) and has been reported many times in individuals with complete achromatopsia or unspecified retinal disease (see for examples: reported as Arg411Trp, Kohl et al. 1998. PubMed ID: 9662398; Dockery et al. 2017. PubMed ID: 29099798; Table S1, Lin et al. 2024. PubMed ID: 38219857). At this time, c.1229G>A, p.(Arg410Gln) the clinical significance of this variant is uncertain due to the absence of conclusive functional and genetic evidence.

Labcorp Genetics (formerly Invitae), Labcorp
Classification: Uncertain significance. Last evaluated: 2023-11-27. Review status: criteria provided, single submitter. Criteria: Invitae Variant Classification Sherloc (09022015). Collection method: clinical testing. Allele origin: germline.
Comment: This sequence change replaces arginine, which is basic and polar, with glutamine, which is neutral and polar, at codon 410 of the CNGA3 protein (p.Arg410Gln). This variant is present in population databases (rs373666055, gnomAD 0.007%). This variant has not been reported in the literature in individuals affected with CNGA3-related conditions. ClinVar contains an entry for this variant (Variation ID: 963854). Advanced modeling of protein sequence and biophysical properties (such as structural, functional, and spatial information, amino acid conservation, physicochemical variation, residue mobility, and thermodynamic stability) performed at Invitae indicates that this missense variant is expected to disrupt CNGA3 protein function with a positive predictive value of 80%. This variant disrupts the p.Arg410 amino acid residue in CNGA3. Other variant(s) that disrupt this residue have been determined to be pathogenic (PMID: 9662398, 17693388, 29099798). This suggests that this residue is clinically significant, and that variants that disrupt this residue are likely to be disease-causing. In summary, the available evidence is currently insufficient to determine the role of this variant in disease. Therefore, it has been classified as a Variant of Uncertain Significance.

Blueprint Genetics
Classification: Uncertain significance. Last evaluated: 2023-05-19. Review status: criteria provided, single submitter. Criteria: ACMG Guidelines, 2015. Collection method: clinical testing. Allele origin: germline.

Literature cited by the submitters: PubMed 9662398 (cited by Labcorp Genetics (formerly Invitae), Labcorp); PubMed 17693388 (cited by Labcorp Genetics (formerly Invitae), Labcorp); PubMed 29099798 (cited by Labcorp Genetics (formerly Invitae), Labcorp).